The following is an entry in ClinVar:

NM_005235.3(ERBB4):c.561A>G (p.Gly187=)

Gene: ERBB4 (erb-b2 receptor tyrosine kinase 4; minus strand). Cytogenetic location: 2q34.
Variant type: single nucleotide variant.
Coding change: c.561A>G on transcript NM_005235.3 (MANE Select); coding-DNA position 561, A replaced by G.
Protein change: p.Gly187=; no amino-acid change (glycine 187 retained).
Molecular consequence: synonymous variant.
Genome position (GRCh38, 1-based): chr2:211,750,700, T>C on the plus strand (A>G on the coding strand, the complement: ERBB4 is on the minus strand). VCF-style: chr2-211750700-T-C. GRCh37 (hg19) VCF-style: chr2-212615425-T-C.
Other names: c.561A>G, p.Gly187= (NM_001042599.2).
Identifiers: ClinVar variation 2168710 (VCV002168710.6), dbSNP rs141452944, ClinGen allele CA2088396.

ClinVar aggregate classification (germline): Likely benign. Review status: criteria provided, single submitter (1 of 4 stars). 2 submissions from 2 submitters: Likely benign (1). 1 of the submissions does not count toward it. Last evaluated 2025-08-09.

Conditions:
ERBB4-related disorder. Also called: ERBB4-related condition.

Allele frequency attached by ClinVar (database versions not stated): ExAC 0.00004; gnomAD 0.00009; ESP Exome Variant Server 0.00023.
gnomAD v4.1: 214 of 1,613,684 alleles (0.013%); highest among the groups gnomAD compares: Non-Finnish European, 0.017%; no homozygotes.

Submissions (2):

Labcorp Genetics (formerly Invitae), Labcorp
Classification: Likely benign. Last evaluated: 2025-08-09. Review status: criteria provided, single submitter. Criteria: Invitae Variant Classification Sherloc (09022015). Collection method: clinical testing. Allele origin: germline.

PreventionGenetics, part of Exact Sciences
Classification: Likely benign for ERBB4-related condition. Last evaluated: 2023-11-30. Review status: no assertion criteria provided. Collection method: clinical testing. Allele origin: germline. Not counted in ClinVar's aggregate classification.
Comment: This variant is classified as likely benign based on ACMG/AMP sequence variant interpretation guidelines (Richards et al. 2015 PMID: 25741868, with internal and published modifications).